The following is an entry in ClinVar:

ClinVar aggregate classification (germline): Uncertain significance. Review status: criteria provided, multiple submitters, no conflicts (2 of 4 stars). 3 submissions from 3 submitters: Uncertain significance (3). Last evaluated 2023-12-28.

Conditions:
Connective tissue disorder. Also called: Connective tissue disease. Identifiers: MedGen C0009782, MONDO:0003900.

Allele frequency attached by ClinVar (database versions not stated): gnomAD below 0.00001 and 0.00001; gnomAD exomes 0.00003 and 0.00006; ExAC 0.00006.
gnomAD v4.1: 47 of 1,613,788 alleles (0.0029%); highest among the groups gnomAD compares: Middle Eastern, 0.049%; no homozygotes.

Submissions (3):

Ambry Genetics
Classification: Uncertain significance. Last evaluated: 2023-12-28. Review status: criteria provided, single submitter. Criteria: Ambry Variant Classification Scheme 2023. Collection method: clinical testing. Allele origin: germline.

Genome Diagnostics Laboratory, The Hospital for Sick Children
Classification: Uncertain significance for Connective tissue disorder. Last evaluated: 2021-12-06. Review status: criteria provided, single submitter. Criteria: ACMG Guidelines, 2015. Collection method: clinical testing. Allele origin: germline.

Labcorp Genetics (formerly Invitae), Labcorp
Classification: Uncertain significance. Last evaluated: 2021-08-26. Review status: criteria provided, single submitter. Criteria: Invitae Variant Classification Sherloc (09022015). Collection method: clinical testing. Allele origin: germline.
Comment: This sequence change replaces glycine with glutamic acid at codon 48 of the IFT43 protein (p.Gly48Glu). The glycine residue is moderately conserved and there is a moderate physicochemical difference between glycine and glutamic acid. This variant is present in population databases (rs780644030, ExAC 0.04%). This variant has not been reported in the literature in individuals affected with IFT43-related conditions. Algorithms developed to predict the effect of missense changes on protein structure and function are either unavailable or do not agree on the potential impact of this missense change (SIFT: "Tolerated"; PolyPhen-2: "Possibly Damaging"; Align-GVGD: "Class C0"). In summary, the available evidence is currently insufficient to determine the role of this variant in disease. Therefore, it has been classified as a Variant of Uncertain Significance.

NM_001102564.3(IFT43):c.143G>A (p.Gly48Glu)

Gene: IFT43 (intraflagellar transport 43; plus strand). Cytogenetic location: 14q24.3.
Variant type: single nucleotide variant.
Coding change: c.143G>A on transcript NM_001102564.3 (MANE Select); coding-DNA position 143, G replaced by A.
Protein change: p.Gly48Glu; replaces glycine 48 with glutamic acid.
Molecular consequence: missense variant. On other transcripts: non-coding transcript variant (2).
Genome position (GRCh38, 1-based): chr14:75,988,973, G>A. VCF-style: chr14-75988973-G-A. GRCh37 (hg19) VCF-style: chr14-76455316-G-A.
Other names: c.143G>A, p.Gly48Glu (NM_001255995.3, NM_052873.3); short protein forms G48E.
Identifiers: ClinVar variation 1015711 (VCV001015711.9), dbSNP rs780644030, ClinGen allele CA7280651.
Genomic context (GRCh38, chr14:75,988,973, plus strand): 5'-AGGAGTCAGCGCAGGCCGAGAATCACCTCAATGGCAAGAATTCCTCTTTGACTCTGACTG[G>A]AGAGGTGGGTGCTAAAAAAAAAGAAAATCTGAAGAAATACTGTTTAAGAGTTAGTGATTC-3'
Protein context (NP_001096034.1, residues 38-58): NGKNSSLTLT[Gly48Glu]ETSSAKLPRC